The following is an entry in ClinVar:

ClinVar aggregate classification (germline): Likely benign. Review status: criteria provided, multiple submitters, no conflicts (2 of 4 stars). 3 submissions from 3 submitters: Likely benign (2). 1 of the submissions does not count toward it. Last evaluated 2025-07-07.

Conditions:
Short-rib thoracic dysplasia 10 with or without polydactyly (SRTD10). Identifiers: Orphanet 474, MedGen C3810175, MONDO:0014284, OMIM 615630.
Retinitis pigmentosa 71 (RP71). Identifiers: Orphanet 791, MedGen C4225342, MONDO:0014618, OMIM 616394.
IFT172-related disorder. Also called: IFT172-related condition; IFT172-related disorders.

Allele frequency attached by ClinVar (database versions not stated): gnomAD exomes 0.00007; ExAC 0.00012.
gnomAD v4.1: 49 of 1,613,792 alleles (0.003%); highest among the groups gnomAD compares: Non-Finnish European, 0.0033%; no homozygotes.

Submissions (3):

Labcorp Genetics (formerly Invitae), Labcorp
Classification: Likely benign for Retinitis pigmentosa 71; Short-rib thoracic dysplasia 10 with or without polydactyly. Last evaluated: 2025-07-07. Review status: criteria provided, single submitter. Criteria: Invitae Variant Classification Sherloc (09022015). Collection method: clinical testing. Allele origin: germline.

Blueprint Genetics
Classification: Likely benign. Last evaluated: 2023-10-10. Review status: criteria provided, single submitter. Criteria: ACMG Guidelines, 2015. Collection method: clinical testing. Allele origin: germline.

PreventionGenetics, part of Exact Sciences
Classification: Likely benign for IFT172-related condition. Last evaluated: 2022-10-26. Review status: no assertion criteria provided. Collection method: clinical testing. Allele origin: germline. Not counted in ClinVar's aggregate classification.
Comment: This variant is classified as likely benign based on ACMG/AMP sequence variant interpretation guidelines (Richards et al. 2015 PMID: 25741868, with internal and published modifications).

NM_015662.3(IFT172):c.4491C>T (p.Ala1497=)

Gene: IFT172 (intraflagellar transport 172; minus strand). Cytogenetic location: 2p23.3.
Variant type: single nucleotide variant.
Coding change: c.4491C>T on transcript NM_015662.3 (MANE Select); coding-DNA position 4491, C replaced by T.
Protein change: p.Ala1497=; no amino-acid change (alanine 1497 retained).
Molecular consequence: synonymous variant.
Genome position (GRCh38, 1-based): chr2:27,447,860, G>A on the plus strand (C>T on the coding strand, the complement: IFT172 is on the minus strand). VCF-style: chr2-27447860-G-A. GRCh37 (hg19) VCF-style: chr2-27670727-G-A.
Other names: c.4491C>T (NM_015662.2).
Identifiers: ClinVar variation 1107755 (VCV001107755.9), dbSNP rs774451726, ClinGen allele CA1579593.